The following is an entry in ClinVar:

ClinVar aggregate classification (germline): Likely benign. Review status: criteria provided, multiple submitters, no conflicts (2 of 4 stars). 8 submissions from 8 submitters: Likely benign (8). Last evaluated 2026-03-17.

Conditions:
Hypertrophic cardiomyopathy 10. Also called: CARDIOMYOPATHY, HYPERTROPHIC, MID-LEFT VENTRICULAR CHAMBER TYPE, 2; MYL2-Related Familial Hypertrophic Cardiomyopathy. Identifiers: MedGen C1834460, MONDO:0012112, OMIM 608758.
Myopathy, myofibrillar, 12, infantile-onset, with cardiomyopathy. Identifiers: MedGen C5561937, MONDO:0859168, OMIM 619424.
MYL2-related disorder. Also called: MYL2-related disorders; MYL2-related condition; MYL2-related disease.
Cardiovascular phenotype. Identifiers: MedGen CN230736.
Cardiomyopathy (CMYO). Also called: Cardiomyopathies. Identifiers: Orphanet 167848, MedGen C0878544, MONDO:0004994, HP:0001638. Inheritance: Various modes of inheritance.
Hypertrophic cardiomyopathy. Also called: HYPERTROPHIC MYOCARDIOPATHY. Identifiers: Orphanet 217569, MedGen C0007194, MeSH D002312, MONDO:0005045, HP:0001639.

Allele frequency attached by ClinVar (database versions not stated): ExAC 0.00002; TOPMed 0.00002; gnomAD 0.00003 and 0.00005; 1000 Genomes Project 0.00060; 1000 Genomes Project 30x 0.00062.
gnomAD v4.1: 28 of 1,614,190 alleles (0.0017%); highest among the groups gnomAD compares: Admixed American, 0.025%; no homozygotes.

Submissions (8):

PreventionGenetics, part of Exact Sciences
Classification: Likely benign for MYL2-related condition. Last evaluated: 2026-03-17. Review status: criteria provided, single submitter. Criteria: ACMG Guidelines, 2015. Collection method: clinical testing. Allele origin: germline.
Comment: This variant is classified as likely benign based on ACMG/AMP sequence variant interpretation guidelines (Richards et al. 2015 PMID: 25741868, with internal and published modifications).

Labcorp Genetics (formerly Invitae), Labcorp
Classification: Likely benign for Hypertrophic cardiomyopathy 10. Last evaluated: 2026-01-07. Review status: criteria provided, single submitter. Criteria: Invitae Variant Classification Sherloc (09022015). Collection method: clinical testing. Allele origin: germline.

All of Us Research Program, National Institutes of Health
Classification: Likely benign for Hypertrophic cardiomyopathy. Last evaluated: 2024-01-11. Review status: criteria provided, single submitter. Criteria: ACMG Guidelines, 2015. Collection method: clinical testing. Allele origin: germline. Inheritance: Autosomal dominant inheritance. Observed: 15 variant alleles, 15 heterozygotes.
Comment: This study involves interpretation of variants in research participants for the purpose of population health screening. Participant phenotype was not available at the time of variant classification. Additional details can be found in publication PMID: 35346344, PMCID: PMC8962531

Blueprint Genetics
Classification: Likely benign. Last evaluated: 2023-12-19. Review status: criteria provided, single submitter. Criteria: ACMG Guidelines, 2015. Collection method: clinical testing. Allele origin: germline.

Ambry Genetics
Classification: Likely benign for Cardiovascular phenotype. Last evaluated: 2023-09-07. Review status: criteria provided, single submitter. Criteria: Ambry Variant Classification Scheme 2023. Collection method: clinical testing. Allele origin: germline.

Fulgent Genetics
Classification: Likely benign for Hypertrophic cardiomyopathy 10; Myopathy, myofibrillar, 12, infantile-onset, with cardiomyopathy. Last evaluated: 2021-08-30. Review status: criteria provided, single submitter. Criteria: ACMG Guidelines, 2015. Collection method: clinical testing. Allele origin: unknown.

CHEO Genetics Diagnostic Laboratory, Children's Hospital of Eastern Ontario
Classification: Likely benign for Cardiomyopathy. Last evaluated: 2020-12-10. Review status: criteria provided, single submitter. Criteria: ACMG Guidelines, 2015. Collection method: clinical testing. Allele origin: germline.

Color Diagnostics, LLC DBA Color Health
Classification: Likely benign for Cardiomyopathy. Last evaluated: 2018-04-21. Review status: criteria provided, single submitter. Criteria: ACMG Guidelines, 2015. Collection method: clinical testing. Allele origin: germline.

NM_000432.4(MYL2):c.375G>A (p.Thr125=)

Gene: MYL2 (myosin light chain 2; minus strand). Cytogenetic location: 12q24.11.
Variant type: single nucleotide variant.
Coding change: c.375G>A on transcript NM_000432.4 (MANE Select); coding-DNA position 375, G replaced by A.
Protein change: p.Thr125=; no amino-acid change (threonine 125 retained).
Molecular consequence: synonymous variant.
Genome position (GRCh38, 1-based): chr12:110,913,123, C>T on the plus strand (G>A on the coding strand, the complement: MYL2 is on the minus strand). VCF-style: chr12-110913123-C-T. GRCh37 (hg19) VCF-style: chr12-111350927-C-T.
Identifiers: ClinVar variation 464145 (VCV000464145.22), dbSNP rs190020833, ClinGen allele CA042349.